The following is an entry in ClinVar:

NM_212482.4(FN1):c.2158C>T (p.Pro720Ser)

Gene: FN1 (fibronectin 1; minus strand). Cytogenetic location: 2q35.
Variant type: single nucleotide variant.
Coding change: c.2158C>T on transcript NM_212482.4 (MANE Select); coding-DNA position 2158, C replaced by T.
Protein change: p.Pro720Ser; replaces proline 720 with serine.
Molecular consequence: missense variant.
Genome position (GRCh38, 1-based): chr2:215,409,704, G>A on the plus strand (C>T on the coding strand, the complement: FN1 is on the minus strand). VCF-style: chr2-215409704-G-A. GRCh37 (hg19) VCF-style: chr2-216274427-G-A.
Other names: c.2158C>T, p.Pro720Ser (NM_001306129.2, NM_001306130.2, NM_001306131.2 and 13 more transcripts); short protein forms P720S.
Identifiers: ClinVar variation 3351720 (VCV003351720.2).

ClinVar aggregate classification (germline): Uncertain significance. Review status: criteria provided, single submitter (1 of 4 stars). 2 submissions from 2 submitters: Uncertain significance (1). 1 of the submissions does not count toward it. Last evaluated 2025-04-24.

Conditions:
FN1-related disorder. Also called: FN1-related condition.

gnomAD v4.1: 11 of 1,614,002 alleles (0.00068%); highest among the groups gnomAD compares: Middle Eastern, 0.016%; no homozygotes.

Submissions (2):

Labcorp Genetics (formerly Invitae), Labcorp
Classification: Uncertain significance. Last evaluated: 2025-04-24. Review status: criteria provided, single submitter. Criteria: Invitae Variant Classification Sherloc (09022015). Collection method: clinical testing. Allele origin: germline.
Comment: This sequence change replaces proline, which is neutral and non-polar, with serine, which is neutral and polar, at codon 720 of the FN1 protein (p.Pro720Ser). This variant is present in population databases (rs746481468, gnomAD 0.009%). This variant has not been reported in the literature in individuals affected with FN1-related conditions. ClinVar contains an entry for this variant (Variation ID: 3351720). An algorithm developed to predict the effect of missense changes on protein structure and function (PolyPhen-2) suggests that this variant is likely to be tolerated. In summary, the available evidence is currently insufficient to determine the role of this variant in disease. Therefore, it has been classified as a Variant of Uncertain Significance.

PreventionGenetics, part of Exact Sciences
Classification: Uncertain significance for FN1-related condition. Last evaluated: 2024-04-11. Review status: no assertion criteria provided. Collection method: clinical testing. Allele origin: germline. Not counted in ClinVar's aggregate classification.
Comment: The FN1 c.2158C>T variant is predicted to result in the amino acid substitution p.Pro720Ser. To our knowledge, this variant has not been reported in the literature. This variant is reported in 0.0087% of alleles in individuals of Latino descent in gnomAD. At this time, the clinical significance of this variant is uncertain due to the absence of conclusive functional and genetic evidence.